The following is an entry in ClinVar:

NM_003803.4(MYOM1):c.1606G>A (p.Asp536Asn)

Gene: MYOM1 (myomesin 1; minus strand). Cytogenetic location: 18p11.31.
Variant type: single nucleotide variant.
Coding change: c.1606G>A on transcript NM_003803.4 (MANE Select); coding-DNA position 1606, G replaced by A.
Protein change: p.Asp536Asn; replaces aspartic acid 536 with asparagine.
Molecular consequence: missense variant.
Genome position (GRCh38, 1-based): chr18:3,154,984, C>T on the plus strand (G>A on the coding strand, the complement: MYOM1 is on the minus strand). VCF-style: chr18-3154984-C-T. GRCh37 (hg19) VCF-style: chr18-3154982-C-T.
Other names: c.1606G>A, p.Asp536Asn (NM_019856.2); short protein forms D536N.
Identifiers: ClinVar variation 525064 (VCV000525064.13), dbSNP rs367903122, ClinGen allele CA8874905.

ClinVar aggregate classification (germline): Conflicting classifications of pathogenicity. Review status: criteria provided, conflicting classifications (1 of 4 stars). 2 submissions from 2 submitters: Uncertain significance (1); Likely benign (1). Last evaluated 2025-12-14.

Conditions:
Hypertrophic cardiomyopathy. Also called: HYPERTROPHIC MYOCARDIOPATHY. Identifiers: Orphanet 217569, MedGen C0007194, MeSH D002312, MONDO:0005045, HP:0001639.

Allele frequency attached by ClinVar (database versions not stated): ESP Exome Variant Server 0.00008; gnomAD 0.00009; TOPMed 0.00009; ExAC 0.00016.
gnomAD v4.1: 117 of 1,612,722 alleles (0.0073%); highest among the groups gnomAD compares: African/African-American, 0.0067%; no homozygotes.

Submissions (2):

Labcorp Genetics (formerly Invitae), Labcorp
Classification: Likely benign for Hypertrophic cardiomyopathy. Last evaluated: 2025-12-14. Review status: criteria provided, single submitter. Criteria: Invitae Variant Classification Sherloc (09022015). Collection method: clinical testing. Allele origin: germline.

Ambry Genetics
Classification: Uncertain significance. Last evaluated: 2023-12-08. Review status: criteria provided, single submitter. Criteria: Ambry Variant Classification Scheme 2023. Collection method: clinical testing. Allele origin: germline.
Comment: The p.D536N variant (also known as c.1606G>A), located in coding exon 10 of the MYOM1 gene, results from a G to A substitution at nucleotide position 1606. The aspartic acid at codon 536 is replaced by asparagine, an amino acid with highly similar properties. This amino acid position is conserved. In addition, this alteration is predicted to be tolerated by in silico analysis. Since supporting evidence is limited at this time, the clinical significance of this alteration remains unclear.